The following is an entry in ClinVar:

NM_001040716.2(PC):c.2544C>G (p.Phe848Leu)

Gene: PC (pyruvate carboxylase; minus strand). Cytogenetic location: 11q13.2.
Variant type: single nucleotide variant.
Coding change: c.2544C>G on transcript NM_001040716.2 (MANE Select); coding-DNA position 2544, C replaced by G.
Protein change: p.Phe848Leu; replaces phenylalanine 848 with leucine.
Molecular consequence: missense variant.
Genome position (GRCh38, 1-based): chr11:66,850,394, G>C on the plus strand (C>G on the coding strand, the complement: PC is on the minus strand). VCF-style: chr11-66850394-G-C. GRCh37 (hg19) VCF-style: chr11-66617865-G-C.
Other names: c.2544C>G, p.Phe848Leu (NM_000920.4, NM_022172.3); short protein forms F848L.
Identifiers: ClinVar variation 1380399 (VCV001380399.6), dbSNP rs1270012365, ClinGen allele CA381492736.

ClinVar aggregate classification (germline): Uncertain significance (1 of 4 stars; one submission).

Conditions:
Pyruvate carboxylase deficiency. Also called: PC DEFICIENCY; ATAXIA WITH LACTIC ACIDOSIS II; Pyruvate Carboxylase Deficiency Disease; LEIGH NECROTIZING ENCEPHALOPATHY DUE TO PYRUVATE CARBOXYLASE DEFICIENCY; LEIGH SYNDROME DUE TO PYRUVATE CARBOXYLASE DEFICIENCY. Identifiers: Orphanet 3008, MedGen C0034341, MONDO:0009949, OMIM 266150.

Submission:

Labcorp Genetics (formerly Invitae), Labcorp
Classification: Uncertain significance for Pyruvate carboxylase deficiency. Last evaluated: 2022-02-09. Review status: criteria provided, single submitter. Criteria: Invitae Variant Classification Sherloc (09022015). Collection method: clinical testing. Allele origin: germline.
Comment: This sequence change replaces phenylalanine, which is neutral and non-polar, with leucine, which is neutral and non-polar, at codon 848 of the PC protein (p.Phe848Leu). This variant is not present in population databases (gnomAD no frequency). This variant has not been reported in the literature in individuals affected with PC-related conditions. Algorithms developed to predict the effect of missense changes on protein structure and function are either unavailable or do not agree on the potential impact of this missense change (SIFT: "Deleterious"; PolyPhen-2: "Probably Damaging"; Align-GVGD: "Class C0"). In summary, the available evidence is currently insufficient to determine the role of this variant in disease. Therefore, it has been classified as a Variant of Uncertain Significance.